The following is an entry in ClinVar:

NM_001303256.3(MORC2):c.1523T>G (p.Leu508Arg)

Gene: MORC2 (MORC family CW-type zinc finger 2; minus strand). Cytogenetic location: 22q12.2.
Variant type: single nucleotide variant.
Coding change: c.1523T>G on transcript NM_001303256.3 (MANE Select); coding-DNA position 1523, T replaced by G.
Protein change: p.Leu508Arg; replaces leucine 508 with arginine.
Molecular consequence: missense variant.
Genome position (GRCh38, 1-based): chr22:30,937,013, A>C on the plus strand (T>G on the coding strand, the complement: MORC2 is on the minus strand). VCF-style: chr22-30937013-A-C. GRCh37 (hg19) VCF-style: chr22-31333000-A-C.
Other names: c.1523T>G, p.Leu508Arg (NM_001303257.2); c.1337T>G, p.Leu446Arg (NM_014941.3); short protein forms L446R, L508R.
Identifiers: ClinVar variation 3361348 (VCV003361348.1).

ClinVar aggregate classification (germline): Uncertain significance (1 of 4 stars; one submission).

Submission:

GeneDx
Classification: Uncertain significance. Last evaluated: 2023-07-25. Review status: criteria provided, single submitter. Criteria: GeneDx Variant Classification Process June 2021. Collection method: clinical testing. Allele origin: germline. Affected: yes.
Comment: Not observed at significant frequency in large population cohorts (gnomAD); In silico analysis supports that this missense variant has a deleterious effect on protein structure/function; Has not been previously published as pathogenic or benign to our knowledge